The following is an entry in ClinVar:

ClinVar aggregate classification (germline): Uncertain significance (1 of 4 stars; one submission).

Conditions:
Cardiovascular phenotype. Identifiers: MedGen CN230736.

Submission:

Ambry Genetics
Classification: Uncertain significance for Cardiovascular phenotype. Last evaluated: 2025-03-09. Review status: criteria provided, single submitter. Criteria: Ambry Variant Classification Scheme 2023. Collection method: clinical testing. Allele origin: germline.
Comment: The p.G436R variant (also known as c.1306G>A), located in coding exon 10 of the SCN10A gene, results from a G to A substitution at nucleotide position 1306. The glycine at codon 436 is replaced by arginine, an amino acid with dissimilar properties. This amino acid position is conserved. In addition, the in silico prediction for this alteration is inconclusive. Based on the available evidence, the clinical significance of this variant remains unclear.

NM_006514.4(SCN10A):c.1306G>A (p.Gly436Arg)

Gene: SCN10A (sodium voltage-gated channel alpha subunit 10; minus strand). Cytogenetic location: 3p22.2.
Variant type: single nucleotide variant.
Coding change: c.1306G>A on transcript NM_006514.4 (MANE Select); coding-DNA position 1306, G replaced by A.
Protein change: p.Gly436Arg; replaces glycine 436 with arginine.
Molecular consequence: missense variant.
Genome position (GRCh38, 1-based): chr3:38,755,943, C>T on the plus strand (G>A on the coding strand, the complement: SCN10A is on the minus strand). VCF-style: chr3-38755943-C-T. GRCh37 (hg19) VCF-style: chr3-38797434-C-T.
Other names: c.1306G>A, p.Gly436Arg (NM_001293306.2, NM_001293307.2); short protein forms G436R.
Identifiers: ClinVar variation 3793156 (VCV003793156.1).
Genomic context (GRCh38, chr3:38,755,943, plus strand): 5'-TGGCATTTTTGGAGGTTAAAGGTGATCCATTGTGGGAGTGGAGAGAGGTTGTGTCAATCC[C>T]TAGTGCTGCTAGCACCTGCGAAGAGAGAACAGCAGGTGTAGCCAATAGTATTTGCTTGGA-3'
Protein context (NP_006505.4, residues 426-446): RKEQEVLAAL[Gly436Arg]IDTTSLHSHN